The following is an entry in ClinVar:

NM_000836.4(GRIN2D):c.2860G>A (p.Gly954Ser)

Gene: GRIN2D (glutamate ionotropic receptor NMDA type subunit 2D; plus strand). Cytogenetic location: 19q13.33.
Variant type: single nucleotide variant.
Coding change: c.2860G>A on transcript NM_000836.4 (MANE Select); coding-DNA position 2860, G replaced by A.
Protein change: p.Gly954Ser; replaces glycine 954 with serine.
Molecular consequence: missense variant.
Genome position (GRCh38, 1-based): chr19:48,442,786, G>A. VCF-style: chr19-48442786-G-A. GRCh37 (hg19) VCF-style: chr19-48946043-G-A.
Other names: c.2860G>A (NM_000836.2); short protein forms G954S.
Identifiers: ClinVar variation 1473780 (VCV001473780.7), dbSNP rs1282268596, ClinGen allele CA406674008.

ClinVar aggregate classification (germline): Uncertain significance. Review status: criteria provided, multiple submitters, no conflicts (2 of 4 stars). 2 submissions from 2 submitters: Uncertain significance (2). Last evaluated 2025-08-09.

Conditions:
Inborn genetic diseases. Identifiers: MedGen C0950123, MeSH D030342.

Allele frequency attached by ClinVar (database versions not stated): gnomAD 0.00001; TOPMed 0.00002.
gnomAD v4.1: 25 of 1,069,836 alleles (0.0023%); highest among the groups gnomAD compares: African/African-American, 0.0034%; no homozygotes.

Submissions (2):

Labcorp Genetics (formerly Invitae), Labcorp
Classification: Uncertain significance. Last evaluated: 2025-08-09. Review status: criteria provided, single submitter. Criteria: Invitae Variant Classification Sherloc (09022015). Collection method: clinical testing. Allele origin: germline.
Comment: This sequence change replaces glycine, which is neutral and non-polar, with serine, which is neutral and polar, at codon 954 of the GRIN2D protein (p.Gly954Ser). The frequency data for this variant in the population databases is considered unreliable, as metrics indicate insufficient coverage at this position in the gnomAD database. This variant has not been reported in the literature in individuals affected with GRIN2D-related conditions. ClinVar contains an entry for this variant (Variation ID: 1473780). Invitae Evidence Modeling of protein sequence and biophysical properties (such as structural, functional, and spatial information, amino acid conservation, physicochemical variation, residue mobility, and thermodynamic stability) indicates that this missense variant is not expected to disrupt GRIN2D protein function with a negative predictive value of 95%. In summary, the available evidence is currently insufficient to determine the role of this variant in disease. Therefore, it has been classified as a Variant of Uncertain Significance.

Ambry Genetics
Classification: Uncertain significance for Inborn genetic diseases. Last evaluated: 2023-08-04. Review status: criteria provided, single submitter. Criteria: Ambry Variant Classification Scheme 2023. Collection method: clinical testing. Allele origin: germline.